The following is an entry in ClinVar:

NM_001346022.3(USP45):c.40G>A (p.Ala14Thr)

Gene: USP45 (ubiquitin specific peptidase 45; minus strand). Cytogenetic location: 6q16.2.
Variant type: single nucleotide variant.
Coding change: c.40G>A on transcript NM_001346022.3 (MANE Select); coding-DNA position 40, G replaced by A.
Protein change: p.Ala14Thr; replaces alanine 14 with threonine.
Molecular consequence: missense variant. On other transcripts: 5 prime UTR variant (3), non-coding transcript variant (5).
Genome position (GRCh38, 1-based): chr6:99,510,181, C>T on the plus strand (G>A on the coding strand, the complement: USP45 is on the minus strand). VCF-style: chr6-99510181-C-T. GRCh37 (hg19) VCF-style: chr6-99958057-C-T.
Other names: c.40G>A, p.Ala14Thr (NM_001080481.3, NM_001346021.3, NM_001346023.3 and 6 more transcripts); c.-1086G>A (NM_001346027.3); c.-949G>A (NM_001346028.3); c.-1083G>A (NM_001346029.3); short protein forms A14T.
Identifiers: ClinVar variation 3035194 (VCV003035194.2), dbSNP rs61750879, ClinGen allele CA3935729.

ClinVar aggregate classification (germline): Likely benign (0 of 4 stars; one submission).

Conditions:
USP45-related disorder. Also called: USP45-related condition.

Allele frequency attached by ClinVar (database versions not stated): gnomAD exomes 0.00011; ExAC 0.00056; gnomAD 0.00154; TOPMed 0.00165; ESP Exome Variant Server 0.00215; 1000 Genomes Project 0.00280; 1000 Genomes Project 30x 0.00297.
gnomAD v4.1: 404 of 1,613,924 alleles (0.025%); highest among the groups gnomAD compares: African/African-American, 0.44%; no homozygotes.

Submission:

PreventionGenetics, part of Exact Sciences
Classification: Likely benign for USP45-related condition. Last evaluated: 2023-07-30. Review status: no assertion criteria provided. Collection method: clinical testing. Allele origin: germline.
Comment: This variant is classified as likely benign based on ACMG/AMP sequence variant interpretation guidelines (Richards et al. 2015 PMID: 25741868, with internal and published modifications).